The following is an entry in ClinVar:

ClinVar aggregate classification (germline): Uncertain significance. Review status: criteria provided, multiple submitters, no conflicts (2 of 4 stars). 4 submissions from 4 submitters: Uncertain significance (4). Last evaluated 2025-05-20.

Conditions:
Cardiomyopathy (CMYO). Also called: Cardiomyopathies. Identifiers: Orphanet 167848, MedGen C0878544, MONDO:0004994, HP:0001638. Inheritance: Various modes of inheritance.
Hypertrophic cardiomyopathy. Also called: HYPERTROPHIC MYOCARDIOPATHY. Identifiers: Orphanet 217569, MedGen C0007194, MeSH D002312, MONDO:0005045, HP:0001639.
Cardiovascular phenotype. Identifiers: MedGen CN230736.

Allele frequency attached by ClinVar (database versions not stated): gnomAD exomes below 0.00001; ExAC 0.00001.

Submissions (4):

GeneDx
Classification: Uncertain significance. Last evaluated: 2025-05-20. Review status: criteria provided, single submitter. Criteria: GeneDx Variant Classification Process June 2021. Collection method: clinical testing. Allele origin: germline. Affected: yes.
Comment: Not observed at significant frequency in large population cohorts (gnomAD); In silico analysis suggests that this missense variant does not alter protein structure/function; Reported in association with HCM in published literature (PMID: 37652022); This variant is associated with the following publications: (PMID: 37652022)

Labcorp Genetics (formerly Invitae), Labcorp
Classification: Uncertain significance for Hypertrophic cardiomyopathy. Last evaluated: 2024-03-11. Review status: criteria provided, single submitter. Criteria: Invitae Variant Classification Sherloc (09022015). Collection method: clinical testing. Allele origin: germline.
Comment: This sequence change replaces isoleucine, which is neutral and non-polar, with valine, which is neutral and non-polar, at codon 1673 of the MYH7 protein (p.Ile1673Val). This variant is present in population databases (rs753907340, gnomAD 0.0009%). This variant has not been reported in the literature in individuals affected with MYH7-related conditions. ClinVar contains an entry for this variant (Variation ID: 451858). Advanced modeling of protein sequence and biophysical properties (such as structural, functional, and spatial information, amino acid conservation, physicochemical variation, residue mobility, and thermodynamic stability) performed at Invitae indicates that this missense variant is not expected to disrupt MYH7 protein function with a negative predictive value of 95%. In summary, the available evidence is currently insufficient to determine the role of this variant in disease. Therefore, it has been classified as a Variant of Uncertain Significance.

All of Us Research Program, National Institutes of Health
Classification: Uncertain significance for Cardiomyopathy. Last evaluated: 2023-07-10. Review status: criteria provided, single submitter. Criteria: ACMG Guidelines, 2015. Collection method: clinical testing. Allele origin: germline. Inheritance: Autosomal dominant inheritance. Observed: 1 variant allele, 1 heterozygote.
Comment: This missense variant replaces isoleucine with valine at codon 1673 of the MYH7 protein. Computational prediction suggests that this variant may not impact protein structure and function (internally defined REVEL score threshold <= 0.5, PMID: 27666373). To our knowledge, functional studies have not been reported for this variant. This variant has not been reported in individuals affected with MYH7-related disorders in the literature. This variant has been identified in 1/251426 chromosomes in the general population by the Genome Aggregation Database (gnomAD). The available evidence is insufficient to determine the role of this variant in disease conclusively. Therefore, this variant is classified as a Variant of Uncertain Significance.

This study involves interpretation of variants in research participants for the purpose of population health screening. Participant phenotype was not available at the time of variant classification. Additional details can be found in publication PMID: 35346344, PMCID: PMC8962531

Ambry Genetics
Classification: Uncertain significance for Cardiovascular phenotype. Last evaluated: 2022-09-13. Review status: criteria provided, single submitter. Criteria: Ambry Variant Classification Scheme 2023. Collection method: clinical testing. Allele origin: germline.
Comment: The p.I1673V variant (also known as c.5017A>G), located in coding exon 33 of the MYH7 gene, results from an A to G substitution at nucleotide position 5017. The isoleucine at codon 1673 is replaced by valine, an amino acid with highly similar properties. This alteration has been reported in a population-based exome sequencing cohort; however, clinical details were limited (Homburger JR et al. Proc Natl Acad Sci U S A, 2016 06;113:6701-6). This amino acid position is well conserved in available vertebrate species. In addition, this alteration is predicted to be tolerated by in silico analysis. Since supporting evidence is limited at this time, the clinical significance of this alteration remains unclear.

Literature cited by the submitters: PubMed 27247418 (cited by Ambry Genetics).

NM_000257.4(MYH7):c.5017A>G (p.Ile1673Val)

Genes: MHRT (myosin heavy chain associated RNA transcript; plus strand), MYH7 (myosin heavy chain 7; minus strand), LOC126861897 (BRD4-independent group 4 enhancer GRCh37_chr14:23884455-23885654; plus strand). Cytogenetic location: 14q11.2.
Variant type: single nucleotide variant.
Coding change: c.5017A>G on transcript NM_000257.4 (MANE Select); coding-DNA position 5017, A replaced by G.
Protein change: p.Ile1673Val; replaces isoleucine 1673 with valine.
Molecular consequence: missense variant. On other transcripts: non-coding transcript variant (1).
Genome position (GRCh38, 1-based): chr14:23,415,769, T>C on the plus strand (A>G on the coding strand, the complement: MYH7 is on the minus strand). VCF-style: chr14-23415769-T-C. GRCh37 (hg19) VCF-style: chr14-23884978-T-C.
Other names: c.5017A>G (LRG_384t1); short protein forms I1673V.
Identifiers: ClinVar variation 451858 (VCV000451858.8), dbSNP rs753907340, ClinGen allele CA044805.
Genomic context (GRCh38, chr14:23,415,769, plus strand): 5'-CCACCACGGCACGCAACTCCTCCAGCTCAGCCTGCAGCAGGTTGTTGCGCCGCTCCACGA[T>C]GGCGATGTTCTCCTTCAGGTCGTCGTTGGCACGGACTGCATCGTCCAGCTGAATCTGGGT-3'
Protein context (NP_000248.2, residues 1663-1683): ANDDLKENIA[Ile1673Val]VERRNNLLQA